The following is an entry in ClinVar:

NM_001145809.2(MYH14):c.4873G>A (p.Val1625Met)

Gene: MYH14 (myosin heavy chain 14; plus strand). Cytogenetic location: 19q13.33.
Variant type: single nucleotide variant.
Coding change: c.4873G>A on transcript NM_001145809.2 (MANE Select); coding-DNA position 4873, G replaced by A.
Protein change: p.Val1625Met; replaces valine 1625 with methionine.
Molecular consequence: missense variant.
Genome position (GRCh38, 1-based): chr19:50,289,556, G>A. VCF-style: chr19-50289556-G-A. GRCh37 (hg19) VCF-style: chr19-50792813-G-A.
Other names: c.4774G>A, p.Val1592Met (NM_001077186.2); c.4750G>A, p.Val1584Met (NM_024729.4); short protein forms V1584M, V1592M, V1625M.
Identifiers: ClinVar variation 3765926 (VCV003765926.1).

ClinVar aggregate classification (germline): Uncertain significance (1 of 4 stars; one submission).

gnomAD v4.1: 36 of 1,613,020 alleles (0.0022%); highest among the groups gnomAD compares: African/African-American, 0.0053%; no homozygotes.

Submission:

GeneDx
Classification: Uncertain significance. Last evaluated: 2024-08-28. Review status: criteria provided, single submitter. Criteria: GeneDx Variant Classification Process June 2021. Collection method: clinical testing. Allele origin: germline. Affected: yes.
Comment: Not observed at significant frequency in large population cohorts (gnomAD); In silico analysis supports that this missense variant has a deleterious effect on protein structure/function; Has not been previously published as pathogenic or benign to our knowledge